The following is an entry in ClinVar:

NM_001384140.1(PCDH15):c.4589G>A (p.Arg1530His)

Gene: PCDH15 (protocadherin related 15; minus strand). Cytogenetic location: 10q21.1.
Variant type: single nucleotide variant.
Coding change: c.4589G>A on transcript NM_001384140.1 (MANE Select); coding-DNA position 4589, G replaced by A.
Protein change: p.Arg1530His; replaces arginine 1530 with histidine.
Molecular consequence: missense variant.
Genome position (GRCh38, 1-based): chr10:53,810,638, C>T on the plus strand (G>A on the coding strand, the complement: PCDH15 is on the minus strand). VCF-style: chr10-53810638-C-T. GRCh37 (hg19) VCF-style: chr10-55570398-C-T.
Other names: c.4436G>A, p.Arg1479His (NM_001142769.4); c.4471G>A, p.Ala1491Thr (NM_001142770.3); c.4415G>A, p.Arg1472His (NM_001142771.2, NM_001354411.2); c.4400G>A, p.Arg1467His (NM_001142772.2); c.4394G>A, p.Arg1465His (NM_001354420.2); c.4523G>A, p.Arg1508His (NM_001354429.2); short protein forms R1465H, A1491T, R1472H, R1467H, R1479H, R1508H, R1530H.
Identifiers: ClinVar variation 773797 (VCV000773797.11), dbSNP rs368380451, ClinGen allele CA5504888.

ClinVar aggregate classification (germline): Conflicting classifications of pathogenicity. Review status: criteria provided, conflicting classifications (1 of 4 stars). 3 submissions from 3 submitters: Uncertain significance (2); Likely benign (1). Last evaluated 2025-08-02.

Conditions:
PCDH15-related disorder. Also called: PCDH15-related disorders; PCDH15-related condition.

Allele frequency attached by ClinVar (database versions not stated): gnomAD 0.00009 and 0.00004; gnomAD exomes 0.00014; 1000 Genomes Project 0.00080; TOPMed 0.00004; ExAC 0.00018; 1000 Genomes Project 30x 0.00062.
gnomAD v4.1: 107 of 1,613,760 alleles (0.0066%); highest among the groups gnomAD compares: East Asian, 0.058%; 1 homozygote.

Submissions (3):

PreventionGenetics, part of Exact Sciences
Classification: Uncertain significance for PCDH15-related condition. Last evaluated: 2025-08-02. Review status: criteria provided, single submitter. Criteria: ACMG Guidelines, 2015. Collection method: clinical testing. Allele origin: germline.
Comment: The PCDH15 c.4436G>A variant is predicted to result in the amino acid substitution p.Arg1479His. This variant has been reported de novo in an individual with congenital diaphragmatic hernia (also known as c.4471G>A, p.(Ala1491Thr) in Table S2, Qiao et al. 2021. PubMed ID: 34547244); however, this individual also had a de novo missense variant in a different gene. This variant is reported in 0.11% of alleles in individuals of East Asian descent in gnomAD. At this time, the clinical significance of this variant is uncertain due to the absence of conclusive functional and genetic evidence.

Blueprint Genetics
Classification: Uncertain significance. Last evaluated: 2024-11-26. Review status: criteria provided, single submitter. Criteria: ACMG Guidelines, 2015. Collection method: clinical testing. Allele origin: germline.

Labcorp Genetics (formerly Invitae), Labcorp
Classification: Likely benign. Last evaluated: 2023-10-11. Review status: criteria provided, single submitter. Criteria: Invitae Variant Classification Sherloc (09022015). Collection method: clinical testing. Allele origin: germline.